The following is an entry in ClinVar:

ClinVar aggregate classification (germline): Likely benign. Review status: criteria provided, multiple submitters, no conflicts (2 of 4 stars). 3 submissions from 3 submitters: Likely benign (3). Last evaluated 2025-11-26.

Conditions:
Cardiovascular phenotype. Identifiers: MedGen CN230736.

Allele frequency attached by ClinVar (database versions not stated): gnomAD exomes below 0.00001 and 0.00001; TOPMed below 0.00001; gnomAD 0.00001.
gnomAD v4.1: 22 of 1,613,550 alleles (0.0014%); highest among the groups gnomAD compares: Middle Eastern, 0.016%; no homozygotes.

Submissions (3):

Labcorp Genetics (formerly Invitae), Labcorp
Classification: Likely benign. Last evaluated: 2025-11-26. Review status: criteria provided, single submitter. Criteria: Invitae Variant Classification Sherloc (09022015). Collection method: clinical testing. Allele origin: germline.

Ambry Genetics
Classification: Likely benign for Cardiovascular phenotype. Last evaluated: 2025-07-21. Review status: criteria provided, single submitter. Criteria: Ambry Variant Classification Scheme 2023. Collection method: clinical testing. Allele origin: germline.

GeneDx
Classification: Likely benign. Last evaluated: 2017-04-24. Review status: criteria provided, single submitter. Criteria: GeneDx Variant Classification (06012015). Collection method: clinical testing. Allele origin: germline. Affected: yes.
Comment: This variant is considered likely benign or benign based on one or more of the following criteria: it is a conservative change, it occurs at a poorly conserved position in the protein, it is predicted to be benign by multiple in silico algorithms, and/or has population frequency not consistent with disease.

NM_020778.5(ALPK3):c.4152C>T (p.Thr1384=)

Gene: ALPK3 (alpha kinase 3; plus strand). Cytogenetic location: 15q25.3.
Variant type: single nucleotide variant.
Coding change: c.4152C>T on transcript NM_020778.5 (MANE Select); coding-DNA position 4152, C replaced by T.
Protein change: p.Thr1384=; no amino-acid change (threonine 1384 retained).
Molecular consequence: synonymous variant.
Genome position (GRCh38, 1-based): chr15:84,862,657, C>T. VCF-style: chr15-84862657-C-T. GRCh37 (hg19) VCF-style: chr15-85405888-C-T.
Identifiers: ClinVar variation 509139 (VCV000509139.9), dbSNP rs955410854, ClinGen allele CA273631205.
Genomic context (GRCh38, chr15:84,862,657, plus strand): 5'-AGCTCCTGGTCTCCCACATTTCTCCTGTTCCCCTTCAGTTGGAGAAGAGATTGAGATGAC[C>T]CCTATGGTGTTTGCTAAGGGTCTGGCTGACTCTGGCTGCTGGGGGGACAAGCTCTTTGGG-3'
Protein context (NP_065829.4, residues 1374-1394): EGEVGEEIEM[Thr1384=]PMVFAKGLAD